The following is an entry in ClinVar:

ClinVar aggregate classification (germline): Uncertain significance (1 of 4 stars; one submission).

Conditions:
Hereditary cancer-predisposing syndrome. Also called: Hereditary neoplastic syndrome; Neoplastic Syndromes, Hereditary; Tumor predisposition; Hereditary Cancer Syndrome. Identifiers: Orphanet 140162, MedGen C0027672, MeSH D009386, MONDO:0015356.

Submission:

Ambry Genetics
Classification: Uncertain significance for Hereditary cancer-predisposing syndrome. Last evaluated: 2025-01-11. Review status: criteria provided, single submitter. Criteria: Ambry Variant Classification Scheme 2023. Collection method: clinical testing. Allele origin: germline.
Comment: The p.S2572T variant (also known as c.7715G>C), located in coding exon 15 of the BRCA2 gene, results from a G to C substitution at nucleotide position 7715. The serine at codon 2572 is replaced by threonine, an amino acid with similar properties. This amino acid position is conserved. In addition, this alteration is predicted to be tolerated by in silico analysis. Based on the available evidence, the clinical significance of this variant remains unclear.

NM_000059.4(BRCA2):c.7715G>C (p.Ser2572Thr)

Gene: BRCA2 (BRCA2 DNA repair associated; plus strand). Cytogenetic location: 13q13.1.
Variant type: single nucleotide variant.
Coding change: c.7715G>C on transcript NM_000059.4 (MANE Select); coding-DNA position 7715, G replaced by C.
Protein change: p.Ser2572Thr; replaces serine 2572 with threonine.
Molecular consequence: missense variant. On other transcripts: non-coding transcript variant (1).
Genome position (GRCh38, 1-based): chr13:32,357,839, G>C. VCF-style: chr13-32357839-G-C. GRCh37 (hg19) VCF-style: chr13-32931976-G-C.
Other names: c.7715G>C, p.Ser2572Thr (NM_001432077.1, NM_001406720.1); c.7619G>C, p.Ser2540Thr (NM_001406719.1); c.2783G>C, p.Ser928Thr (NM_001406721.1); c.1298G>C, p.Ser433Thr (NM_001406722.1); short protein forms S2540T, S2572T, S433T, S928T.
Identifiers: ClinVar variation 3825430 (VCV003825430.1).
Genomic context (GRCh38, chr13:32,357,839, plus strand): 5'-TTAACAGCAAAAATGCAGAGTCTTTTCAGTTTCACACTGAAGATTATTTTGGTAAGGAAA[G>C]TTTATGGACTGGAAAAGGAATACAGTTGGCTGATGGTGGATGGCTCATACCCTCCAATGA-3'
Protein context (NP_000050.3, residues 2562-2582): FHTEDYFGKE[Ser2572Thr]LWTGKGIQLA